The following is an entry in ClinVar:

ClinVar aggregate classification (germline): Uncertain significance (1 of 4 stars; one submission).

Conditions:
Cardiomyopathy (CMYO). Also called: Cardiomyopathies. Identifiers: Orphanet 167848, MedGen C0878544, MONDO:0004994, HP:0001638. Inheritance: Various modes of inheritance.

Submission:

Color Diagnostics, LLC DBA Color Health
Classification: Uncertain significance for Cardiomyopathy. Last evaluated: 2023-12-05. Review status: criteria provided, single submitter. Criteria: ACMG Guidelines, 2015. Collection method: clinical testing. Allele origin: germline.
Comment: This missense variant replaces arginine with glycine at codon 101 of the TPM1 protein. Computational prediction tools and conservation analyses suggest that this variant may have deleterious impact on the protein function. Computational splicing tools suggest that this variant may not impact RNA splicing. To our knowledge, functional assays have not been performed for this variant nor has this variant been reported in individuals affected with cardiovascular disorders in the literature. This variant has been identified in 1/251476 chromosomes in the general population by the Genome Aggregation Database (gnomAD). Available evidence is insufficient to determine the role of this variant in disease conclusively. Therefore, this variant is classified as a Variant of Uncertain Significance.

NM_001018005.2(TPM1):c.301C>G (p.Arg101Gly)

Gene: TPM1 (tropomyosin 1; plus strand). Cytogenetic location: 15q22.2.
Variant type: single nucleotide variant.
Coding change: c.301C>G on transcript NM_001018005.2 (MANE Select); coding-DNA position 301, C replaced by G.
Protein change: p.Arg101Gly; replaces arginine 101 with glycine.
Molecular consequence: missense variant.
Genome position (GRCh38, 1-based): chr15:63,057,045, C>G. VCF-style: chr15-63057045-C-G. GRCh37 (hg19) VCF-style: chr15-63349244-C-G.
Other names: c.301C>G, p.Arg101Gly (NM_000366.6, NM_001018004.2, NM_001018006.2 and 6 more transcripts); c.193C>G, p.Arg65Gly (NM_001018008.2, NM_001301289.2, NM_001330344.2 and 5 more transcripts); c.427C>G, p.Arg143Gly (NM_001365778.1); short protein forms R101G, R143G, R65G.
Identifiers: ClinVar variation 926294 (VCV000926294.5), dbSNP rs769069020, ClinGen allele CA028993.